The following is an entry in ClinVar:

NM_015978.3(TNNI3K):c.1594_1625del (p.Pro532fs)

Genes: FPGT-TNNI3K (FPGT-TNNI3K readthrough; plus strand), TNNI3K (TNNI3 interacting kinase; plus strand). Cytogenetic location: 1p31.1.
Variant type: Deletion.
Coding change: c.1594_1625del on transcript NM_015978.3 (MANE Select); coding-DNA positions 1594 to 1625, 32 bases deleted.
Protein change: p.Pro532fs; shifts the reading frame from proline 532.
Molecular consequence: frameshift variant.
Genome position (GRCh38, 1-based): chr1:74,369,512-74,369,543, 32 bases deleted; deleting any 32 consecutive bases within chr1:74,369,510-74,369,543 gives the same sequence; the c. name uses the placement nearest the transcript's 3' end. GRCh37 (hg19): chr1:74,835,196-74,835,227.
Other names: c.1897_1928del, p.Pro633fs (NM_001112808.3, NM_001199327.2); short protein forms P633fs, P532fs.
Identifiers: ClinVar variation 4771969 (VCV004771969.1).

ClinVar aggregate classification (germline): Uncertain significance (1 of 4 stars; one submission).

Submission:

Labcorp Genetics (formerly Invitae), Labcorp
Classification: Uncertain significance. Last evaluated: 2025-03-09. Review status: criteria provided, single submitter. Criteria: Invitae Variant Classification Sherloc (09022015). Collection method: clinical testing. Allele origin: germline.
Comment: This sequence change creates a premature translational stop signal (p.Pro532Ilefs*11) in the TNNI3K gene. It is expected to result in an absent or disrupted protein product. However, the current clinical and genetic evidence is not sufficient to establish whether loss-of-function variants in TNNI3K cause disease. This variant is not present in population databases (gnomAD no frequency). This variant has not been reported in the literature in individuals affected with TNNI3K-related conditions. In summary, the available evidence is currently insufficient to determine the role of this variant in disease. Therefore, it has been classified as a Variant of Uncertain Significance.